The following continues an entry in ClinVar:

NM_025137.4(SPG11):c.733_734del (p.Met245fs)

Gene: SPG11. ClinVar aggregate classification (germline): Pathogenic. Pathogenic (26).

Submissions 12 to 30 of 30:

Neurometabolic Diseases Laboratory, Bellvitge Biomedical Research Institute (IDIBELL)
Classification: Pathogenic for Hereditary spastic paraplegia 11. Last evaluated: 2023-04-27. Review status: criteria provided, single submitter. Criteria: ACMG Guidelines, 2015. Collection method: research. Allele origin: germline. Affected: yes. Observed: 2 variant alleles.

Blueprint Genetics
Classification: Pathogenic for SPG11-related disorders. Last evaluated: 2023-01-18. Review status: criteria provided, single submitter. Criteria: ACMG Guidelines, 2015. Collection method: clinical testing. Allele origin: germline. Affected: yes. Observed: 3 variant alleles.

Women's Health and Genetics/Laboratory Corporation of America, LabCorp
Classification: Pathogenic for Hereditary spastic paraplegia. Last evaluated: 2022-08-11. Review status: criteria provided, single submitter. Criteria: LabCorp Variant Classification Summary - May 2015. Collection method: clinical testing. Allele origin: germline.
Comment: Variant summary: SPG11 c.733_734delAT (p.Met245ValfsX2) results in a premature termination codon, predicted to cause a truncation of the encoded protein or absence of the protein due to nonsense mediated decay, which are commonly known mechanisms for disease. Truncations downstream of this position are associated with Spastic Paraplegia in HGMD. The variant allele was found at a frequency of 6.8e-05 in 251452 control chromosomes (gnomAD). This frequency is not higher than expected for a pathogenic variant in SPG11 causing Hereditary Spastic Paraplegia, Type 11 (6.8e-05 vs 0.0011). c.733_734delAT has been reported in the literature in multiple individuals affected with Hereditary Spastic Paraplegia (examples: Boukhris_2009 and Stevanin_2008). These data indicate that the variant is very likely to be associated with disease. Eight submitters have provided clinical-significance assessments for this variant to ClinVar after 2014 and all classified the variant as pathogenic (n=7) and likely pathogenic (n=1). Based on the evidence outlined above, the variant was classified as pathogenic.

Baylor Genetics
Classification: Pathogenic for Hereditary spastic paraplegia 11. Last evaluated: 2022-03-17. Review status: criteria provided, single submitter. Criteria: ACMG Guidelines, 2015. Collection method: clinical testing. Allele origin: unknown.

MGZ Medical Genetics Center
Classification: Pathogenic for Charcot-Marie-Tooth disease axonal type 2X. Last evaluated: 2022-01-21. Review status: criteria provided, single submitter. Criteria: ACMG Guidelines, 2015. Collection method: clinical testing. Allele origin: germline. Affected: yes. Observed: 1 variant allele.
Comment: ACMG criteria applied: PVS1, PM3, PM2_SUP, PP1

Genome Diagnostics Laboratory, The Hospital for Sick Children
Classification: Pathogenic for Hereditary spastic paraplegia. Last evaluated: 2022-01-14. Review status: criteria provided, single submitter. Criteria: ACMG Guidelines, 2015. Collection method: clinical testing. Allele origin: germline. Affected: yes.

GeneDx
Classification: Pathogenic. Last evaluated: 2021-11-02. Review status: criteria provided, single submitter. Criteria: GeneDx Variant Classification Process June 2021. Collection method: clinical testing. Allele origin: germline. Affected: yes.
Comment: Frameshift variant predicted to result in protein truncation or nonsense-mediated decay in a gene for which loss-of-function is a known mechanism of disease; Not observed at a significant frequency in large population cohorts (Lek et al., 2016); This variant is associated with the following publications: (PMID: 17717710, 18332254, 20110243, 22175763, 17322883, 18067136, 27071356, 31227335, 31289639, 31969655, 29980238, 31589614)

Ambry Genetics
Classification: Pathogenic for Inborn genetic diseases. Last evaluated: 2020-01-03. Review status: criteria provided, single submitter. Criteria: Ambry Variant Classification Scheme 2023. Collection method: clinical testing. Allele origin: germline.
Comment: The c.733_734delAT (p.M245Vfs*2) alteration, located in coding exon 4 of the SPG11 gene, results from a deletion of 2 nucleotides from position 733 to 734, causing a translational frameshift with a predicted alternate stop codon after 2 amino acids. This alteration is expected to result in loss of function by premature protein truncation or nonsense-mediated mRNA decay. Based on data from the Genome Aggregation Database (gnomAD), the c.733_734delAT alteration was observed in 0.006% (18/282852) of total alleles studied. In multiple individuals with spastic paraplegia with thin corpus callosum, this alteration has been detected in the homozygous state or in conjunction with a second disease-causing allele (Stevanin, 2007; Boukhris, 2008; Pensato, 2014; Dong, 2018; Wei, 2019). This alteration was also identified in a patient meeting diagnostic criteria for amyotrophic lateral sclerosis (ALS) and a brain MRI which was negative for thin corpus callosum and white matter abnormalities; this individual was also heterozygous for a nonsense variant in SPG11 (Orlacchio, 2010). Based on the available evidence, this alteration is classified as pathogenic.

Broad Center for Mendelian Genomics, Broad Institute of MIT and Harvard
Classification: Pathogenic for Hereditary spastic paraplegia 11. Last evaluated: 2018-12-03. Review status: criteria provided, single submitter. Criteria: ACMG Guidelines, 2015. Collection method: research. Allele origin: germline. Inheritance: Autosomal recessive inheritance. Affected: yes.
Comment: The heterozygous p.Met245ValfsTer2 variant in SPG11 was identified by our study in the compound heterozygous state, along with another pathogenic variant, in two siblings with spastic paraplegia. The presence of this variant in combination with a reported pathogenic variant and in an individual with spastic paraplegia increases the likelihood that the p.Met245ValfsTer2 variant is pathogenic. The p.Met245ValfsTer2 variant in SPG11 has been well-reported in the literature. This variant has been reported in greater than 22 individuals from Italy, Japan, France, Tunisia, Sicily, Korea, Spain, China, and Portugal with spastic paraplegia in the homozygous and compound heterozygous state, segregated with disease in 12 affected relatives from 5 families (PMID: 17717710, 20110243, 17322883, 18079167, 22175763, 18332254, 24833714, 22696581, 22237444, 18067136, 18835492), but has been identified in 0.006133% (17/277208) of chromosomes by the Genome Aggregation Database (gnomAD; dbSNP rs312262720). Although this variant has been seen in the general population, its frequency is low enough to be consistent with a recessive carrier frequency. This variant has also been reported in ClinVar (Variation ID: 1112). This variant is predicted to cause a frameshift, which alters the proteinâ€™s amino acid sequence beginning at position 245 and leads to a premature termination codon 2 amino acids downstream. This alteration is then predicted to lead to a truncated or absent protein. Loss of function of the SPG11 gene is an established disease mechanism in autosomal recessive spastic paraplegia. In summary, the p.Met245ValfsTer2variant is pathogenic based off of our findings, multiple reports of pathogenicity in ClinVar, and the literature. ACMG/AMP Criteria applied: PM2, PVS1, PM3, PP1_Moderate (Richards 2015).

Unit for Genetic & Epidemiological Research on Neurological Disorders, Instituto de Investigação e Inovação em Saúde
Classification: Pathogenic for Hereditary spastic paraplegia. Last evaluated: 2017-03-07. Review status: criteria provided, single submitter. Criteria: Morais et al. (Eur J Hum Genet. 2017). Collection method: research. Allele origin: inherited. Affected: yes.

Department of Medical Genetics, Sanjay Gandhi Post Graduate Institute of Medical Sciences
Classification: Pathogenic for Hereditary spastic paraplegia 11. Review status: criteria provided, single submitter. Criteria: ACMG Guidelines, 2015. Collection method: research. Allele origin: germline. Inheritance: Autosomal recessive inheritance. Affected: yes. Observed: 1 homozygote.
Comment: The variant was found in the homozygous state and is classifed as pathogenic as per ACMG-AMP criteria (PVS1, PM3, PM2, PP5)

Genome-Nilou Lab
Classification: Pathogenic for Charcot-Marie-Tooth disease axonal type 2X. Review status: criteria provided, single submitter. Criteria: ACMG Guidelines, 2015. Collection method: clinical testing. Allele origin: germline.

Genome-Nilou Lab
Classification: Pathogenic for Hereditary spastic paraplegia 11. Review status: criteria provided, single submitter. Criteria: ACMG Guidelines, 2015. Collection method: clinical testing. Allele origin: germline.

Neuberg Centre For Genomic Medicine, NCGM
Classification: Pathogenic for Cerebral amyloid angiopathy, APP-related. Review status: criteria provided, single submitter. Criteria: ACMG Guidelines, 2015. Collection method: clinical testing. Allele origin: germline. Inheritance: Autosomal dominant inheritance. Affected: yes.
Comment: This variant causes a frameshift starting with codon Methionine 245, changes this amino acid to Valine residue, and creates a premature Stop codon at position 2 of the new reading frame, denoted p.Met245ValfsTer2. Loss of function is a known to be pathogenic in this gene (Kunta AR, et al., 2022). For these reasons, the variant has been classified as Pathogenic

Paris Brain Institute, Inserm - ICM
Classification: Pathogenic for Hereditary spastic paraplegia 11. Review status: criteria provided, single submitter. Criteria: ACMG Guidelines, 2015. Collection method: clinical testing. Allele origin: unknown. Affected: yes. Observed: 6 variant alleles.

Foundation for Research in Genetics and Endocrinology, FRIGE's Institute of Human Genetics
Classification: Likely pathogenic for Hereditary spastic paraplegia 11. Last evaluated: 2018-01-01. Review status: no assertion criteria provided. Collection method: clinical testing. Allele origin: germline. Inheritance: Autosomal recessive inheritance. Affected: yes. Observed: 1 variant allele, 1 homozygote. Not counted in ClinVar's aggregate classification.
Comment: The observed variant c.733_734delAT (p.M245Vfs) is not reported in The 1000 Genomes database and its minor allele frequency in ExAC database is 0.0001071. The in silico prediction for the variant is pathogenic by MutationTaster2.

OMIM
Classification: Pathogenic for SPASTIC PARAPLEGIA 11, AUTOSOMAL RECESSIVE. Last evaluated: 2010-02-01. Review status: no assertion criteria provided. Collection method: literature only. Allele origin: germline. Not counted in ClinVar's aggregate classification.

OMIM
Classification: Pathogenic for AMYOTROPHIC LATERAL SCLEROSIS 5, JUVENILE. Last evaluated: 2010-02-01. Review status: no assertion criteria provided. Collection method: literature only. Allele origin: germline. Not counted in ClinVar's aggregate classification.

GeneReviews
No classification provided. Condition: Hereditary spastic paraplegia 11. Review status: no classification provided. Collection method: literature only. Allele origin: unknown. Not counted in ClinVar's aggregate classification.

Literature cited by the submitters: PubMed 19105190 (cited by Labcorp Genetics (formerly Invitae), Labcorp and GeneReviews); PubMed 20110243 (cited by 4 submitters); PubMed 22154821 (cited by Labcorp Genetics (formerly Invitae), Labcorp); PubMed 26556829 (cited by Labcorp Genetics (formerly Invitae), Labcorp); PubMed 17322883 (cited by 6 submitters); PubMed 17717710 (cited by 4 submitters); PubMed 18067136 (cited by 4 submitters); PubMed 18079167 (cited by 4 submitters); PubMed 18332254 (cited by 5 submitters); PubMed 18835492 (cited by 3 submitters); PubMed 19438933 (cited by Labcorp Genetics (formerly Invitae), Labcorp and Women's Health and Genetics/Laboratory Corporation of America, LabCorp); PubMed 22175763 (cited by Labcorp Genetics (formerly Invitae), Labcorp and Broad Center for Mendelian Genomics, Broad Institute of MIT and Harvard); PubMed 22237444 (cited by 3 submitters); PubMed 22696581 (cited by 3 submitters); PubMed 24833714 (cited by 3 submitters); PubMed 27071356 (cited by Labcorp Genetics (formerly Invitae), Labcorp); PubMed 31289639 (cited by 3billion and Ambry Genetics); PubMed 29980238 (cited by Ambry Genetics and Department of Medical Genetics, Sanjay Gandhi Post Graduate Institute of Medical Sciences); PubMed 29946510 (cited by Department of Medical Genetics, Sanjay Gandhi Post Graduate Institute of Medical Sciences); PubMed 20301389 (cited by GeneReviews); NCBI Bookshelf NBK1210 (cited by GeneReviews).